The following is an entry in ClinVar:

NM_002114.4(HIVEP1):c.2196A>T (p.Pro732=)

Gene: HIVEP1 (HIVEP zinc finger 1; plus strand). Cytogenetic location: 6p24.1.
Variant type: single nucleotide variant.
Coding change: c.2196A>T on transcript NM_002114.4 (MANE Select); coding-DNA position 2196, A replaced by T.
Protein change: p.Pro732=; no amino-acid change (proline 732 retained).
Molecular consequence: synonymous variant.
Genome position (GRCh38, 1-based): chr6:12,121,991, A>T. VCF-style: chr6-12121991-A-T. GRCh37 (hg19) VCF-style: chr6-12122224-A-T.
Identifiers: ClinVar variation 3047876 (VCV003047876.2), dbSNP rs185723293, ClinGen allele CA3637350.

ClinVar aggregate classification (germline): Likely benign (0 of 4 stars; one submission).

Conditions:
HIVEP1-related disorder. Also called: HIVEP1-related condition.

Allele frequency attached by ClinVar (database versions not stated): ESP Exome Variant Server 0.00064; 1000 Genomes Project 30x 0.00109; 1000 Genomes Project 0.00140.
gnomAD v4.1: 252 of 1,614,168 alleles (0.016%); highest among the groups gnomAD compares: African/African-American, 0.3%; 1 homozygote.

Submission:

PreventionGenetics, part of Exact Sciences
Classification: Likely benign for HIVEP1-related condition. Last evaluated: 2022-05-17. Review status: no assertion criteria provided. Collection method: clinical testing. Allele origin: germline.
Comment: This variant is classified as likely benign based on ACMG/AMP sequence variant interpretation guidelines (Richards et al. 2015 PMID: 25741868, with internal and published modifications).